The following is an entry in ClinVar:

ClinVar aggregate classification (germline): Uncertain significance (1 of 4 stars; one submission).

Conditions:
Carnitine palmitoyl transferase 1A deficiency. Also called: CPT I DEFICIENCY; CPT DEFICIENCY, HEPATIC, TYPE I; CPT deficiency, hepatic, type IA; Carnitine palmitoyltransferase 1A deficiency; Carnitine palmitoyltransferase type I deficiency. Identifiers: Orphanet 156, MedGen C1829703, MONDO:0009705, OMIM 255120.

Allele frequency attached by ClinVar (database versions not stated): ExAC 0.00001.
gnomAD v4.1: 3 of 1,609,616 alleles (0.00019%); highest among the groups gnomAD compares: East Asian, 0.0045%; no homozygotes.

Submission:

Labcorp Genetics (formerly Invitae), Labcorp
Classification: Uncertain significance for Carnitine palmitoyl transferase 1A deficiency. Last evaluated: 2022-04-04. Review status: criteria provided, single submitter. Criteria: Invitae Variant Classification Sherloc (09022015). Collection method: clinical testing. Allele origin: germline.
Comment: This sequence change replaces alanine, which is neutral and non-polar, with threonine, which is neutral and polar, at codon 385 of the CPT1A protein (p.Ala385Thr). The frequency data for this variant in the population databases is considered unreliable, as metrics indicate poor data quality at this position in the gnomAD database. This variant has not been reported in the literature in individuals affected with CPT1A-related conditions. Algorithms developed to predict the effect of missense changes on protein structure and function are either unavailable or do not agree on the potential impact of this missense change (SIFT: "Deleterious"; PolyPhen-2: "Possibly Damaging"; Align-GVGD: "Class C0"). In summary, the available evidence is currently insufficient to determine the role of this variant in disease. Therefore, it has been classified as a Variant of Uncertain Significance.

NM_001876.4(CPT1A):c.1153G>A (p.Ala385Thr)

Gene: CPT1A (carnitine palmitoyltransferase 1A; minus strand). Cytogenetic location: 11q13.3.
Variant type: single nucleotide variant.
Coding change: c.1153G>A on transcript NM_001876.4 (MANE Select); coding-DNA position 1153, G replaced by A.
Protein change: p.Ala385Thr; replaces alanine 385 with threonine.
Molecular consequence: missense variant.
Genome position (GRCh38, 1-based): chr11:68,784,825, C>T on the plus strand (G>A on the coding strand, the complement: CPT1A is on the minus strand). VCF-style: chr11-68784825-C-T. GRCh37 (hg19) VCF-style: chr11-68552293-C-T.
Other names: c.1153G>A, p.Ala385Thr (NM_001031847.3); short protein forms A385T.
Identifiers: ClinVar variation 2058611 (VCV002058611.1), dbSNP rs754650208, ClinGen allele CA6152407.